The following is an entry in ClinVar:

ClinVar aggregate classification (germline): Uncertain significance (1 of 4 stars; one submission).

Conditions:
Inborn genetic diseases. Identifiers: MedGen C0950123, MeSH D030342.

gnomAD v4.1: 1 of 1,208,812 alleles (0.000083%); highest among the groups gnomAD compares: Non-Finnish European, 0.00011%; no homozygotes.

Submission:

Ambry Genetics
Classification: Uncertain significance for Inborn genetic diseases. Last evaluated: 2026-03-30. Review status: criteria provided, single submitter. Criteria: Ambry Variant Classification Scheme 2023. Collection method: clinical testing. Allele origin: germline.
Comment: The c.3848C>G (p.P1283R) alteration is located in exon 21 (coding exon 21) of the AFF2 gene. This alteration results from a C to G substitution at nucleotide position 3848, causing the proline (P) at amino acid position 1283 to be replaced by an arginine (R). This variant was not reported in population-based cohorts in the Genome Aggregation Database (gnomAD). This amino acid position is highly conserved in available vertebrate species. This alteration is predicted to be deleterious by in silico analysis. Based on insufficient or conflicting evidence, the clinical significance of this alteration remains unclear.

NM_002025.4(AFF2):c.3848C>G (p.Pro1283Arg)

Gene: AFF2 (ALF transcription elongation factor 2; plus strand). Cytogenetic location: Xq28.
Variant type: single nucleotide variant.
Coding change: c.3848C>G on transcript NM_002025.4 (MANE Select); coding-DNA position 3848, C replaced by G.
Protein change: p.Pro1283Arg; replaces proline 1283 with arginine.
Molecular consequence: missense variant.
Genome position (GRCh38, 1-based): chrX:148,991,244, C>G. VCF-style: chrX-148991244-C-G. GRCh37 (hg19) VCF-style: chrX-148072774-C-G.
Other names: c.3743C>G, p.Pro1248Arg (NM_001169122.2, NM_001169124.2); c.3818C>G, p.Pro1273Arg (NM_001169123.2); c.3731C>G, p.Pro1244Arg (NM_001169125.2); c.2771C>G, p.Pro924Arg (NM_001170628.1); short protein forms P1244R, P1248R, P1273R, P1283R, P924R.
Identifiers: ClinVar variation 4868084 (VCV004868084.1).